The following is an entry in ClinVar:

NM_000214.3(JAG1):c.998G>C (p.Cys333Ser)

Gene: JAG1 (jagged canonical Notch ligand 1; minus strand). Cytogenetic location: 20p12.2.
Variant type: single nucleotide variant.
Coding change: c.998G>C on transcript NM_000214.3 (MANE Select); coding-DNA position 998, G replaced by C.
Protein change: p.Cys333Ser; replaces cysteine 333 with serine.
Molecular consequence: missense variant.
Genome position (GRCh38, 1-based): chr20:10,652,139, C>G on the plus strand (G>C on the coding strand, the complement: JAG1 is on the minus strand). VCF-style: chr20-10652139-C-G. GRCh37 (hg19) VCF-style: chr20-10632787-C-G.
Other names: short protein forms C333S.
Identifiers: ClinVar variation 3573206 (VCV003573206.2).
Genomic context (GRCh38, chr20:10,652,139, plus strand): 5'-CTGAGTACAGAAAAATTAGACAAAGGGCTCTCATTCATCTTGGACCACTTACCAATTTCA[C>G]AGTTGGGTCCTGAATACCCCTCAGGGCAGGAACACTGATATTTGTCAGGGCCTGTGTTGC-3'
Protein context (NP_000205.1, residues 323-343): SCPEGYSGPN[Cys333Ser]EIAEHACLSD

Conditions:
Arteriohepatic dysplasia. Also called: Alagille Syndrome. Identifiers: Orphanet 52, MedGen C0085280, MeSH D016738, MONDO:0007318.

Submission:

Gilbert/Spinner Lab, Children's Hospital of Philadelphia
No classification provided (evidence only). Condition: Alagille syndrome. Review status: no classification provided. Collection method: research. Allele origin: not applicable. Functional consequence: functionally_abnormal.
ClinVar note: "not provided" was previously submitted as the classification for the variant. However, the classification appeared to be based only on an observation of functional data so it was converted to no classification on 2025-07-30.